The following is an entry in ClinVar:

NM_003098.3(SNTA1):c.1504G>A (p.Gly502Arg)

Gene: SNTA1 (syntrophin alpha 1; minus strand). Cytogenetic location: 20q11.21.
Variant type: single nucleotide variant.
Coding change: c.1504G>A on transcript NM_003098.3 (MANE Select); coding-DNA position 1504, G replaced by A.
Protein change: p.Gly502Arg; replaces glycine 502 with arginine.
Molecular consequence: missense variant.
Genome position (GRCh38, 1-based): chr20:33,408,521, C>T on the plus strand (G>A on the coding strand, the complement: SNTA1 is on the minus strand). VCF-style: chr20-33408521-C-T. GRCh37 (hg19) VCF-style: chr20-31996327-C-T.
Other names: short protein forms G502R.
Identifiers: ClinVar variation 190927 (VCV000190927.11), dbSNP rs768377696, ClinGen allele CA302309.

ClinVar aggregate classification (germline): Uncertain significance. Review status: criteria provided, multiple submitters, no conflicts (2 of 4 stars). 2 submissions from 2 submitters: Uncertain significance (2). Last evaluated 2023-10-03.

Conditions:
Long QT syndrome (LQTS). Identifiers: MedGen C0023976, MeSH D008133, MONDO:0002442. Disease mechanism: loss of function. Inheritance: Various modes of inheritance.
Long QT syndrome 12 (LQT12). Identifiers: Orphanet 101016, Orphanet 768, MedGen C2751830, MONDO:0013062, OMIM 612955.

Allele frequency attached by ClinVar (database versions not stated): gnomAD 0.00001; gnomAD exomes 0.00001; TOPMed 0.00001; ExAC 0.00002.
gnomAD v4.1: 15 of 1,613,744 alleles (0.00093%); highest among the groups gnomAD compares: East Asian, 0.016%; no homozygotes.

Submissions (2):

Labcorp Genetics (formerly Invitae), Labcorp
Classification: Uncertain significance for Long QT syndrome. Last evaluated: 2023-10-03. Review status: criteria provided, single submitter. Criteria: Invitae Variant Classification Sherloc (09022015). Collection method: clinical testing. Allele origin: germline.
Comment: This sequence change replaces glycine, which is neutral and non-polar, with arginine, which is basic and polar, at codon 502 of the SNTA1 protein (p.Gly502Arg). This variant is present in population databases (rs768377696, gnomAD 0.006%). This variant has not been reported in the literature in individuals affected with SNTA1-related conditions. ClinVar contains an entry for this variant (Variation ID: 190927). An algorithm developed to predict the effect of missense changes on protein structure and function (PolyPhen-2) suggests that this variant is likely to be tolerated. In summary, the available evidence is currently insufficient to determine the role of this variant in disease. Therefore, it has been classified as a Variant of Uncertain Significance.

Illumina Laboratory Services, Illumina
Classification: Uncertain significance for Long QT syndrome 12. Last evaluated: 2018-01-13. Review status: criteria provided, single submitter. Criteria: ICSL Variant Classification Criteria 13 December 2019. Collection method: clinical testing. Allele origin: germline.